The following is an entry in ClinVar:

NM_016111.4(TELO2):c.827T>C (p.Leu276Pro)

Gene: TELO2 (telomere maintenance 2; plus strand). Cytogenetic location: 16p13.3.
Variant type: single nucleotide variant.
Coding change: c.827T>C on transcript NM_016111.4 (MANE Select); coding-DNA position 827, T replaced by C.
Protein change: p.Leu276Pro; replaces leucine 276 with proline.
Molecular consequence: missense variant.
Genome position (GRCh38, 1-based): chr16:1,497,505, T>C. VCF-style: chr16-1497505-T-C. GRCh37 (hg19) VCF-style: chr16-1547506-T-C.
Other names: c.827T>C, p.Leu276Pro (NM_001351846.2); c.827T>C (NM_016111.3); short protein forms L276P.
Identifiers: ClinVar variation 2043831 (VCV002043831.7), dbSNP rs370884980, ClinGen allele CA7811799.

ClinVar aggregate classification (germline): Benign/Likely benign. Review status: criteria provided, multiple submitters, no conflicts (2 of 4 stars). 3 submissions from 3 submitters: Benign (1); Likely benign (1). 1 of the submissions does not count toward it. Last evaluated 2025-12-21.

Conditions:
TELO2-related disorder. Also called: TELO2-related condition.
Inborn genetic diseases. Identifiers: MedGen C0950123, MeSH D030342.

Allele frequency attached by ClinVar (database versions not stated): ExAC 0.00023; ESP Exome Variant Server 0.00063; gnomAD 0.00117; 1000 Genomes Project 0.00160; 1000 Genomes Project 30x 0.00187.
gnomAD v4.1: 316 of 1,561,044 alleles (0.02%); highest among the groups gnomAD compares: African/African-American, 0.4%; no homozygotes.

Submissions (3):

Labcorp Genetics (formerly Invitae), Labcorp
Classification: Benign. Last evaluated: 2025-12-21. Review status: criteria provided, single submitter. Criteria: Invitae Variant Classification Sherloc (09022015). Collection method: clinical testing. Allele origin: germline.

Ambry Genetics
Classification: Likely benign for Inborn genetic diseases. Last evaluated: 2021-06-30. Review status: criteria provided, single submitter. Criteria: Ambry Variant Classification Scheme 2023. Collection method: clinical testing. Allele origin: germline.

PreventionGenetics, part of Exact Sciences
Classification: Likely benign for TELO2-related condition. Last evaluated: 2022-07-21. Review status: no assertion criteria provided. Collection method: clinical testing. Allele origin: germline. Not counted in ClinVar's aggregate classification.
Comment: This variant is classified as likely benign based on ACMG/AMP sequence variant interpretation guidelines (Richards et al. 2015 PMID: 25741868, with internal and published modifications).